The following is an entry in ClinVar:

NM_001039141.3(TRIOBP):c.3559T>C (p.Phe1187Leu)

Gene: TRIOBP (TRIO and F-actin binding protein; plus strand). Cytogenetic location: 22q13.1.
Variant type: single nucleotide variant.
Coding change: c.3559T>C on transcript NM_001039141.3 (MANE Select); coding-DNA position 3559, T replaced by C.
Protein change: p.Phe1187Leu; replaces phenylalanine 1187 with leucine.
Molecular consequence: missense variant.
Genome position (GRCh38, 1-based): chr22:37,726,115, T>C. VCF-style: chr22-37726115-T-C. GRCh37 (hg19) VCF-style: chr22-38122122-T-C.
Other names: p.Phe1187Leu; short protein forms F1187L.
Identifiers: ClinVar variation 516766 (VCV000516766.14), dbSNP rs5756795, ClinGen allele CA10224153.

ClinVar aggregate classification (germline): Benign. Review status: criteria provided, multiple submitters, no conflicts (2 of 4 stars). 5 submissions from 5 submitters: Benign (5). Last evaluated 2026-02-04.

Conditions:
Autosomal recessive nonsyndromic hearing loss 28. Identifiers: Orphanet 90636, MedGen C1853276, MONDO:0012355, OMIM 609823.

Allele frequency attached by ClinVar (database versions not stated): 1000 Genomes Project 30x 0.33214; 1000 Genomes Project 0.33666; TOPMed 0.34945; ESP Exome Variant Server 0.35010; gnomAD 0.35350 and 0.35651; ExAC 0.39339; gnomAD exomes 0.39393 and 0.43179.
gnomAD v4.1: 683,140 of 1,611,308 alleles (42%); highest among the groups gnomAD compares: East Asian, 56%; 149,226 homozygotes.

Submissions (5):

Labcorp Genetics (formerly Invitae), Labcorp
Classification: Benign. Last evaluated: 2026-02-04. Review status: criteria provided, single submitter. Criteria: Invitae Variant Classification Sherloc (09022015). Collection method: clinical testing. Allele origin: germline.

Genome-Nilou Lab
Classification: Benign for Autosomal recessive nonsyndromic hearing loss 28. Last evaluated: 2021-09-10. Review status: criteria provided, single submitter. Criteria: ACMG Guidelines, 2015. Collection method: clinical testing. Allele origin: germline. Affected: no.

Mayo Clinic Laboratories, Mayo Clinic
Classification: Benign. Last evaluated: 2020-07-02. Review status: criteria provided, single submitter. Criteria: ACMG Guidelines, 2015. Collection method: clinical testing. Allele origin: germline. Observed: 101 variant alleles.

GeneDx
Classification: Benign. Last evaluated: 2017-05-09. Review status: criteria provided, single submitter. Criteria: GeneDx Variant Classification (06012015). Collection method: clinical testing. Allele origin: germline. Affected: yes.
Comment: This variant is considered likely benign or benign based on one or more of the following criteria: it is a conservative change, it occurs at a poorly conserved position in the protein, it is predicted to be benign by multiple in silico algorithms, and/or has population frequency not consistent with disease.

Breakthrough Genomics
Classification: Benign. Review status: criteria provided, single submitter. Criteria: ACMG Guidelines, 2015. Collection method: not provided. Allele origin: germline. Inheritance: Autosomal recessive inheritance. Affected: yes.